The following is an entry in ClinVar:

ClinVar aggregate classification (germline): Pathogenic/Likely pathogenic. Review status: criteria provided, multiple submitters, no conflicts (2 of 4 stars). 2 submissions from 2 submitters: Pathogenic (1); Likely pathogenic (1). Last evaluated 2023-06-27.

Conditions:
Hereditary spastic paraplegia 7 (SPG7). Also called: Spastic paraplegia 7; Hereditary spastic paraplegia Paraplegin type; SPASTIC PARAPLEGIA 7, AUTOSOMAL RECESSIVE, WITH OR WITHOUT CEREBELLAR ATAXIA; Autosomal recessive spastic paraplegia type 7; SPG7-related neurologic disorder. Identifiers: Orphanet 99013, MedGen C1846564, MONDO:0011803, OMIM 607259.
Hereditary spastic paraplegia. Also called: Familial spastic paraparesis. Identifiers: Orphanet 685, MedGen C0037773, MONDO:0019064. Disease mechanism: loss of function.

gnomAD v4.1: 7 of 1,600,242 alleles (0.00044%); highest among the groups gnomAD compares: East Asian, 0.016%; no homozygotes.

Submissions (2):

Labcorp Genetics (formerly Invitae), Labcorp
Classification: Pathogenic for Hereditary spastic paraplegia 7. Last evaluated: 2023-06-27. Review status: criteria provided, single submitter. Criteria: Invitae Variant Classification Sherloc (09022015). Collection method: clinical testing. Allele origin: germline.
Comment: For these reasons, this variant has been classified as Pathogenic. ClinVar contains an entry for this variant (Variation ID: 1344137). This premature translational stop signal has been observed in individual(s) with autosomal recessive SPG7-related conditions (PMID: 30747022). This variant is present in population databases (rs146115797, gnomAD 0.03%). This sequence change creates a premature translational stop signal (p.Gln82*) in the SPG7 gene. It is expected to result in an absent or disrupted protein product. Loss-of-function variants in SPG7 are known to be pathogenic (PMID: 21623769, 22964162).

Genome Diagnostics Laboratory, The Hospital for Sick Children
Classification: Likely pathogenic for Hereditary spastic paraplegia. Last evaluated: 2016-12-12. Review status: criteria provided, single submitter. Criteria: ACMG Guidelines, 2015. Collection method: clinical testing. Allele origin: germline. Affected: yes.

Literature cited by the submitters: PubMed 30747022 (cited by Labcorp Genetics (formerly Invitae), Labcorp); PubMed 21623769 (cited by Labcorp Genetics (formerly Invitae), Labcorp); PubMed 22964162 (cited by Labcorp Genetics (formerly Invitae), Labcorp).

NM_003119.4(SPG7):c.244C>T (p.Gln82Ter)

Gene: SPG7 (SPG7 matrix AAA peptidase subunit, paraplegin; plus strand). Cytogenetic location: 16q24.3.
Variant type: single nucleotide variant.
Coding change: c.244C>T on transcript NM_003119.4 (MANE Select); coding-DNA position 244, C replaced by T.
Protein change: p.Gln82Ter; replaces glutamine 82 with a stop codon.
Molecular consequence: nonsense.
Genome position (GRCh38, 1-based): chr16:89,510,550, C>T. VCF-style: chr16-89510550-C-T. GRCh37 (hg19) VCF-style: chr16-89576958-C-T.
Other names: c.244C>T, p.Gln82Ter (NM_001363850.1, NM_199367.3); short protein forms Q82*.
Identifiers: ClinVar variation 1344137 (VCV001344137.6), dbSNP rs146115797, ClinGen allele CA8243476.
Genomic context (GRCh38, chr16:89,510,550, plus strand): 5'-AGCTTACAATTGAGACTGCTAACCCCTACCTTTGAAGGGATCAACGGATTGTTGTTGAAA[C>T]AACATTTAGTTCAGAATCCAGTCAGACTCTGGCAACTTTTAGGTATGTATCTGTTTAAAG-3'